The following is an entry in ClinVar:

NM_024334.3(TMEM43):c.1067C>G (p.Ala356Gly)

Gene: TMEM43 (transmembrane protein 43; plus strand). Cytogenetic location: 3p25.1.
Variant type: single nucleotide variant.
Coding change: c.1067C>G on transcript NM_024334.3 (MANE Select); coding-DNA position 1067, C replaced by G.
Protein change: p.Ala356Gly; replaces alanine 356 with glycine.
Molecular consequence: missense variant.
Genome position (GRCh38, 1-based): chr3:14,141,659, C>G. VCF-style: chr3-14141659-C-G. GRCh37 (hg19) VCF-style: chr3-14183159-C-G.
Other names: c.1070C>G, p.Ala357Gly (NM_001407274.1); c.1064C>G, p.Ala355Gly (NM_001407275.1, NM_001407276.1); c.1061C>G, p.Ala354Gly (NM_001407277.1); c.1052C>G, p.Ala351Gly (NM_001407278.1); c.992C>G, p.Ala331Gly (NM_001407279.1); c.917C>G, p.Ala306Gly (NM_001407280.1); short protein forms A306G, A331G, A351G, A354G, A355G, A356G, A357G.
Identifiers: ClinVar variation 3075050 (VCV003075050.1), dbSNP rs1465084342, ClinGen allele CA351536477.
Genomic context (GRCh38, chr3:14,141,659, plus strand): 5'-GGTTTCCTGTTTTCCGAGACCTGGTCAACATTGGCCTGAAAGCCTTTGCCTTCTGTGTGG[C>G]CACCTCGCTGACCCTGCTGACCGTGGCGGCTGGCTGGCTCTTCTACCGACCCCTGTGGGC-3'
Protein context (NP_077310.1, residues 346-366): IGLKAFAFCV[Ala356Gly]TSLTLLTVAA

ClinVar aggregate classification (germline): Uncertain significance (1 of 4 stars; one submission).

Conditions:
Arrhythmogenic right ventricular dysplasia 5. Also called: Arrhythmogenic Right Ventricular Dysplasia/Cardiomyopathy 5; ARRHYTHMOGENIC RIGHT VENTRICULAR DYSPLASIA, FAMILIAL, 5. Identifiers: MedGen C1858379, MONDO:0011459, OMIM 604400.

Allele frequency attached by ClinVar (database versions not stated): gnomAD exomes below 0.00001.
gnomAD v4.1: 5 of 1,614,228 alleles (0.00031%); highest among the groups gnomAD compares: Non-Finnish European, 0.00042%; no homozygotes.

Submission:

All of Us Research Program, National Institutes of Health
Classification: Uncertain significance for Arrhythmogenic right ventricular dysplasia 5. Last evaluated: 2023-12-18. Review status: criteria provided, single submitter. Criteria: ACMG Guidelines, 2015. Collection method: clinical testing. Allele origin: germline. Inheritance: Autosomal dominant inheritance. Observed: 1 variant allele, 1 heterozygote.
Comment: This missense variant replaces alanine with glycine at codon 356 of the TMEM43 protein. Computational prediction suggests that this variant may not impact protein structure and function (internally defined REVEL score threshold <= 0.5, PMID: 27666373). To our knowledge, functional studies have not been reported for this variant. This variant has not been reported in individuals affected with TMEM43-related disorders in the literature. This variant has been identified in 1/251320 chromosomes in the general population by the Genome Aggregation Database (gnomAD). The available evidence is insufficient to determine the role of this variant in disease conclusively. Therefore, this variant is classified as a Variant of Uncertain Significance.

This study involves interpretation of variants in research participants for the purpose of population health screening. Participant phenotype was not available at the time of variant classification. Additional details can be found in publication PMID: 35346344, PMCID: PMC8962531